The following is an entry in ClinVar:

ClinVar aggregate classification (germline): Uncertain significance. Review status: criteria provided, multiple submitters, no conflicts (2 of 4 stars). 2 submissions from 2 submitters: Uncertain significance (2). Last evaluated 2017-05-01.

Allele frequency attached by ClinVar (database versions not stated): gnomAD exomes 0.00002 and 0.00003; TOPMed 0.00002; ExAC 0.00003; gnomAD 0.00003.

Submissions (2):

Center for Pediatric Genomic Medicine, Children's Mercy Hospital and Clinics
Classification: Uncertain significance. Last evaluated: 2017-05-01. Review status: criteria provided, single submitter. Criteria: ACMG Guidelines, 2015. Collection method: clinical testing. Allele origin: germline.

GeneDx
Classification: Uncertain significance. Last evaluated: 2015-02-10. Review status: criteria provided, single submitter. Criteria: GeneDx Variant Classification (06012015). Collection method: clinical testing. Allele origin: germline. Affected: yes.
Comment: p.Asn575Asp (AAT>GAT): c.1723 A>G in exon 9 of the FASTKD2 gene (NM_014929.3). The N575D variant has not been published as a mutation, nor has it been reported as a benign polymorphism to our knowledge. The N575D variant is a semi-conservative amino acid substitution, which may impact secondary protein structure as these residues differ in some properties. This substitution occurs at a position that is moderately conserved across species. In silico analysis predicts this variant likely does not alter the protein structure/function. Therefore, based on the currently available information, it is unclear whether this variant is a pathogenic mutation or a rare benign variant. The variant is found in MITONUC-MITOP panel(s).

NM_001136193.2(FASTKD2):c.1723A>G (p.Asn575Asp)

Gene: FASTKD2 (FAST kinase domains 2; plus strand). Cytogenetic location: 2q33.3.
Variant type: single nucleotide variant.
Coding change: c.1723A>G on transcript NM_001136193.2 (MANE Select); coding-DNA position 1723, A replaced by G.
Protein change: p.Asn575Asp; replaces asparagine 575 with aspartic acid.
Molecular consequence: missense variant.
Genome position (GRCh38, 1-based): chr2:206,788,065, A>G. VCF-style: chr2-206788065-A-G. GRCh37 (hg19) VCF-style: chr2-207652789-A-G.
Other names: p.N575D:AAT>GAT; c.1723A>G, p.Asn575Asp (NM_001136194.2, NM_014929.4); short protein forms N575D.
Identifiers: ClinVar variation 214356 (VCV000214356.3), dbSNP rs773832405, ClinGen allele CA322664.